The following is an entry in ClinVar:

NM_001042492.3(NF1):c.3565del (p.Gln1189fs)

Gene: NF1 (neurofibromin 1; plus strand). Cytogenetic location: 17q11.2.
Variant type: Deletion.
Coding change: c.3565del on transcript NM_001042492.3 (MANE Select); coding-DNA position 3565, one base deleted (C; older notation c.3565delC).
Protein change: p.Gln1189fs; shifts the reading frame from glutamine 1189.
Molecular consequence: frameshift variant.
Genome position (GRCh38, 1-based): chr17:31,233,070, C deleted. VCF-style (leftmost placement, unchanged base first): chr17-31233069-AC-A. GRCh37 (hg19) VCF-style: chr17-29560087-AC-A.
Other names: c.3565delC, p.Gln1189Lysfs (NM_000267.4); short protein forms Q1189fs.
Identifiers: ClinVar variation 1451233 (VCV001451233.6), dbSNP rs2151435449, ClinGen allele CA2573153356.

ClinVar aggregate classification (germline): Pathogenic (1 of 4 stars; one submission).

Conditions:
Neurofibromatosis, type 1 (NF1). Also called: NEUROFIBROMATOSIS, TYPE I, SOMATIC; VON RECKLINGHAUSEN DISEASE; Peripheral type neurofibromatosis; Neurofibromatosis, type I. Identifiers: Orphanet 636, MedGen C0027831, MONDO:0018975, OMIM 162200. Disease mechanism: loss of function.

Submission:

Labcorp Genetics (formerly Invitae), Labcorp
Classification: Pathogenic for Neurofibromatosis, type 1. Last evaluated: 2021-04-18. Review status: criteria provided, single submitter. Criteria: Invitae Variant Classification Sherloc (09022015). Collection method: clinical testing. Allele origin: germline.
Comment: This sequence change creates a premature translational stop signal (p.Gln1189Lysfs*26) in the NF1 gene. It is expected to result in an absent or disrupted protein product. Loss-of-function variants in NF1 are known to be pathogenic (PMID: 10712197, 23913538). This variant is not present in population databases (ExAC no frequency). This variant has not been reported in the literature in individuals with NF1-related conditions. For these reasons, this variant has been classified as Pathogenic.

Literature cited by the submitters: PubMed 10712197; PubMed 23913538.